The following is an entry in ClinVar:

ClinVar aggregate classification (germline): Uncertain significance (1 of 4 stars; one submission).

gnomAD v4.1: 1 of 1,614,052 alleles (0.000062%); highest among the groups gnomAD compares: Non-Finnish European, 0.000085%; no homozygotes.

Submission:

Women's Health and Genetics/Laboratory Corporation of America, LabCorp
Classification: Uncertain significance. Last evaluated: 2025-07-09. Review status: criteria provided, single submitter. Criteria: LabCorp Variant Classification Summary - May 2015. Collection method: clinical testing. Allele origin: germline.
Comment: Variant summary: DSE c.2765A>G (p.Tyr922Cys) results in a non-conservative amino acid change in the encoded protein sequence. Algorithms developed to predict the effect of missense changes on protein structure and function are either unavailable or do not agree on the potential impact of this missense change. The variant was absent in 251376 control chromosomes. The available data on variant occurrences in the general population are insufficient to allow any conclusion about variant significance. To our knowledge, no occurrence of c.2765A>G in individuals affected with Ehlers-Danlos syndrome, musculocontractural type 2 and no experimental evidence demonstrating its impact on protein function have been reported. No submitters have cited clinical-significance assessments for this variant to ClinVar. Based on the evidence outlined above, the variant was classified as uncertain significance.

NM_013352.4(DSE):c.2765A>G (p.Tyr922Cys)

Gene: DSE (dermatan sulfate epimerase; plus strand). Cytogenetic location: 6q22.1.
Variant type: single nucleotide variant.
Coding change: c.2765A>G on transcript NM_013352.4 (MANE Select); coding-DNA position 2765, A replaced by G.
Protein change: p.Tyr922Cys; replaces tyrosine 922 with cysteine.
Molecular consequence: missense variant. On other transcripts: 3 prime UTR variant (2), non-coding transcript variant (1).
Genome position (GRCh38, 1-based): chr6:116,437,233, A>G. VCF-style: chr6-116437233-A-G. GRCh37 (hg19) VCF-style: chr6-116758396-A-G.
Other names: c.2765A>G, p.Tyr922Cys (NM_001080976.3, NM_001322937.2, NM_001322938.2); c.2822A>G, p.Tyr941Cys (NM_001322939.2); c.2204A>G, p.Tyr735Cys (NM_001322940.2, NM_001322941.2); c.*1630A>G (NM_001322943.2, NM_001322944.2); c.1766A>G, p.Tyr589Cys (NM_001374520.1); c.1730A>G, p.Tyr577Cys (NM_001374521.1); short protein forms Y735C, Y922C, Y577C, Y589C, Y941C.
Identifiers: ClinVar variation 4526027 (VCV004526027.1).